The following is an entry in ClinVar:

ClinVar aggregate classification (germline): Uncertain significance (1 of 4 stars; one submission).

gnomAD v4.1: 2 of 1,608,538 alleles (0.00012%); highest among the groups gnomAD compares: Non-Finnish European, 0.00017%; no homozygotes.

Submission:

Labcorp Genetics (formerly Invitae), Labcorp
Classification: Uncertain significance. Last evaluated: 2025-08-06. Review status: criteria provided, single submitter. Criteria: Invitae Variant Classification Sherloc (09022015). Collection method: clinical testing. Allele origin: germline.
Comment: This sequence change replaces threonine, which is neutral and polar, with isoleucine, which is neutral and non-polar, at codon 710 of the ITGAM protein (p.Thr710Ile). The frequency data for this variant in the population databases is considered unreliable, as metrics indicate poor data quality at this position in the gnomAD database. This variant has not been reported in the literature in individuals affected with ITGAM-related conditions. An algorithm developed to predict the effect of missense changes on protein structure and function (PolyPhen-2) suggests that this variant is likely to be tolerated. In summary, the available evidence is currently insufficient to determine the role of this variant in disease. Therefore, it has been classified as a Variant of Uncertain Significance.

NM_000632.4(ITGAM):c.2129C>T (p.Thr710Ile)

Gene: ITGAM (integrin subunit alpha M; plus strand). Cytogenetic location: 16p11.2.
Variant type: single nucleotide variant.
Coding change: c.2129C>T on transcript NM_000632.4 (MANE Select); coding-DNA position 2129, C replaced by T.
Protein change: p.Thr710Ile; replaces threonine 710 with isoleucine.
Molecular consequence: missense variant.
Genome position (GRCh38, 1-based): chr16:31,324,525, C>T. VCF-style: chr16-31324525-C-T. GRCh37 (hg19) VCF-style: chr16-31335846-C-T.
Other names: c.2132C>T, p.Thr711Ile (NM_001145808.2); short protein forms T710I, T711I.
Identifiers: ClinVar variation 4805662 (VCV004805662.1).